The following is an entry in ClinVar:

ClinVar aggregate classification (germline): Uncertain significance (1 of 4 stars; one submission).

Allele frequency attached by ClinVar (database versions not stated): TOPMed 0.00001.

Submission:

Labcorp Genetics (formerly Invitae), Labcorp
Classification: Uncertain significance. Last evaluated: 2021-09-19. Review status: criteria provided, single submitter. Criteria: Invitae Variant Classification Sherloc (09022015). Collection method: clinical testing. Allele origin: germline.
Comment: Algorithms developed to predict the effect of missense changes on protein structure and function (SIFT, PolyPhen-2, Align-GVGD) all suggest that this variant is likely to be tolerated. In summary, the available evidence is currently insufficient to determine the role of this variant in disease. Therefore, it has been classified as a Variant of Uncertain Significance. This variant has not been reported in the literature in individuals affected with POLR3B-related conditions. This variant is not present in population databases (ExAC no frequency). This sequence change replaces arginine with lysine at codon 292 of the POLR3B protein (p.Arg292Lys). The arginine residue is moderately conserved and there is a small physicochemical difference between arginine and lysine.

NM_018082.6(POLR3B):c.875G>A (p.Arg292Lys)

Gene: POLR3B (RNA polymerase III subunit B; plus strand). Cytogenetic location: 12q23.3.
Variant type: single nucleotide variant.
Coding change: c.875G>A on transcript NM_018082.6 (MANE Select); coding-DNA position 875, G replaced by A.
Protein change: p.Arg292Lys; replaces arginine 292 with lysine.
Molecular consequence: missense variant.
Genome position (GRCh38, 1-based): chr12:106,405,885, G>A. VCF-style: chr12-106405885-G-A. GRCh37 (hg19) VCF-style: chr12-106799663-G-A.
Other names: c.701G>A, p.Arg234Lys (NM_001160708.2); short protein forms R292K, R234K.
Identifiers: ClinVar variation 1439047 (VCV001439047.6), dbSNP rs1350511211, ClinGen allele CA386386130.